The following is an entry in ClinVar:

ClinVar aggregate classification (germline): Uncertain significance (1 of 4 stars; one submission).

Submission:

Labcorp Genetics (formerly Invitae), Labcorp
Classification: Uncertain significance. Last evaluated: 2022-09-07. Review status: criteria provided, single submitter. Criteria: Invitae Variant Classification Sherloc (09022015). Collection method: clinical testing. Allele origin: germline.
Comment: Experimental studies and prediction algorithms are not available or were not evaluated, and the functional significance of this variant is currently unknown. In summary, the available evidence is currently insufficient to determine the role of this variant in disease. Therefore, it has been classified as a Variant of Uncertain Significance. This variant has not been reported in the literature in individuals affected with DOCK6-related conditions. This variant is present in population databases (rs751207460, gnomAD 0.007%). This variant, c.3579_3581del, results in the deletion of 1 amino acid(s) of the DOCK6 protein (p.Ser1194del), but otherwise preserves the integrity of the reading frame.

NM_020812.4(DOCK6):c.3579_3581del (p.Ser1194del)

Genes: DOCK6 (dedicator of cytokinesis 6; minus strand), DOCK6-AS1 (DOCK6 antisense RNA 1; plus strand). Cytogenetic location: 19p13.2.
Variant type: Deletion.
Coding change: c.3579_3581del on transcript NM_020812.4 (MANE Select); coding-DNA positions 3579 to 3581, 3 bases deleted (CTC; older notation c.3579_3581delCTC).
Protein change: p.Ser1194del; deletes serine 1194.
Molecular consequence: inframe deletion.
Genome position (GRCh38, 1-based): chr19:11,217,361-11,217,363, GAG deleted on the plus strand (CTC on the coding strand, the reverse complement: DOCK6 is on the minus strand); deleting any 3 consecutive bases within chr19:11,217,361-11,217,364 gives the same sequence; the c. name uses the placement nearest the transcript's 3' end. VCF-style (leftmost placement, unchanged base first): chr19-11217360-TGAG-T. GRCh37 (hg19) VCF-style: chr19-11328036-TGAG-T.
Other names: c.3684_3686del, p.Ser1229del (NM_001367830.1); short protein forms S1194del, S1229del.
Identifiers: ClinVar variation 2072389 (VCV002072389.4), dbSNP rs751207460, ClinGen allele CA9207197.